The following is an entry in ClinVar:

NM_006270.5(RRAS):c.81C>T (p.Ser27=)

Gene: RRAS (RAS related; minus strand). Cytogenetic location: 19q13.33.
Variant type: single nucleotide variant.
Coding change: c.81C>T on transcript NM_006270.5 (MANE Select); coding-DNA position 81, C replaced by T.
Protein change: p.Ser27=; no amino-acid change (serine 27 retained).
Molecular consequence: synonymous variant.
Genome position (GRCh38, 1-based): chr19:49,640,018, G>A on the plus strand (C>T on the coding strand, the complement: RRAS is on the minus strand). VCF-style: chr19-49640018-G-A. GRCh37 (hg19) VCF-style: chr19-50143275-G-A.
Other names: c.81C>T (NM_006270.4).
Identifiers: ClinVar variation 1503389 (VCV001503389.11), dbSNP rs375821724, ClinGen allele CA9579164.

ClinVar aggregate classification (germline): Conflicting classifications of pathogenicity. Review status: criteria provided, conflicting classifications (1 of 4 stars). 4 submissions from 4 submitters: Uncertain significance (1); Likely benign (3). Last evaluated 2026-01-27.

Conditions:
RRAS-related disorder. Also called: RRAS-related condition.
Noonan syndrome (NS). Also called: Noonan's syndrome. Identifiers: Orphanet 648, MedGen C0028326, MeSH D009634, MONDO:0018997. Disease mechanism: gain of function.

Allele frequency attached by ClinVar (database versions not stated): gnomAD 0.00011; gnomAD exomes 0.00011; TOPMed 0.00013; ExAC 0.00016; ESP Exome Variant Server 0.00024.
gnomAD v4.1: 530 of 1,565,370 alleles (0.034%); highest among the groups gnomAD compares: Non-Finnish European, 0.044%; 1 homozygote.

Submissions (5):

Labcorp Genetics (formerly Invitae), Labcorp
Classification: Likely benign for Noonan syndrome. Last evaluated: 2026-01-27. Review status: criteria provided, single submitter. Criteria: Invitae Variant Classification Sherloc (09022015). Collection method: clinical testing. Allele origin: germline.

GeneDx
Classification: Likely benign. Last evaluated: 2024-08-22. Review status: criteria provided, single submitter. Criteria: GeneDx Variant Classification Process June 2021. Collection method: clinical testing. Allele origin: germline. Affected: yes.
Comment: See Variant Classification Assertion Criteria.

PreventionGenetics, part of Exact Sciences
Classification: Uncertain significance for RRAS-related condition. Last evaluated: 2022-11-16. Review status: criteria provided, single submitter. Criteria: ACMG Guidelines, 2015. Collection method: clinical testing. Allele origin: germline.
Comment: The RRAS c.81C>T variant is not predicted to result in an amino acid change (p.=). This variant is predicted to alter splicing based on available splicing prediction programs (Alamut Visual Plus v1.6.1). However, such computer prediction programs are imperfect. To our knowledge, this variant has not been reported in the literature. This variant is reported in 0.024% of alleles in individuals of European (Non-Finnish) descent in gnomAD, which is likely to common to be a primary cause of Noonan syndrome/RASopathy (Gelb et al. 2018. PubMed ID: 29493581). Although we suspect that this variant may be benign, at this time, the clinical significance of this variant is uncertain due to the absence of conclusive functional and genetic evidence.

Ambry Genetics
Classification: Likely benign. Last evaluated: 2022-03-07. Review status: criteria provided, single submitter. Criteria: Ambry Variant Classification Scheme 2023. Collection method: clinical testing. Allele origin: germline.

Dr. Peter K. Rogan Lab, Western University
No classification provided (evidence only). Condition: Malignant tumor of esophagus. Review status: no classification provided. Collection method: in vitro. Allele origin: not applicable. Functional consequence: retained intron. Not counted in ClinVar's aggregate classification.